The following is an entry in ClinVar:

NM_000391.4(TPP1):c.556C>T (p.Pro186Ser)

Gene: TPP1 (tripeptidyl peptidase 1; minus strand). Cytogenetic location: 11p15.4.
Variant type: single nucleotide variant.
Coding change: c.556C>T on transcript NM_000391.4 (MANE Select); coding-DNA position 556, C replaced by T.
Protein change: p.Pro186Ser; replaces proline 186 with serine.
Molecular consequence: missense variant.
Genome position (GRCh38, 1-based): chr11:6,617,106, G>A on the plus strand (C>T on the coding strand, the complement: TPP1 is on the minus strand). VCF-style: chr11-6617106-G-A. GRCh37 (hg19) VCF-style: chr11-6638337-G-A.
Other names: short protein forms P186S.
Identifiers: ClinVar variation 1163923 (VCV001163923.8), dbSNP rs1855598679, ClinGen allele CA379475571.

ClinVar aggregate classification (germline): Uncertain significance. Review status: criteria provided, multiple submitters, no conflicts (2 of 4 stars). 2 submissions from 2 submitters: Uncertain significance (2). Last evaluated 2022-10-12.

Allele frequency attached by ClinVar (database versions not stated): gnomAD 0.00001; gnomAD exomes 0.00001.
gnomAD v4.1: 9 of 1,614,042 alleles (0.00056%); highest among the groups gnomAD compares: Admixed American, 0.0033%; no homozygotes.

Submissions (2):

Mayo Clinic Laboratories, Mayo Clinic
Classification: Uncertain significance. Last evaluated: 2022-10-12. Review status: criteria provided, single submitter. Criteria: ACMG Guidelines, 2015. Collection method: clinical testing. Allele origin: germline. Observed: 2 variant alleles.
Comment: BP4, PM2

Labcorp Genetics (formerly Invitae), Labcorp
Classification: Uncertain significance. Last evaluated: 2021-12-13. Review status: criteria provided, single submitter. Criteria: Invitae Variant Classification Sherloc (09022015). Collection method: clinical testing. Allele origin: germline.
Comment: This sequence change replaces proline, which is neutral and non-polar, with serine, which is neutral and polar, at codon 186 of the TPP1 protein (p.Pro186Ser). This variant is not present in population databases (gnomAD no frequency). This variant has not been reported in the literature in individuals affected with TPP1-related conditions. ClinVar contains an entry for this variant (Variation ID: 1163923). Advanced modeling of protein sequence and biophysical properties (such as structural, functional, and spatial information, amino acid conservation, physicochemical variation, residue mobility, and thermodynamic stability) performed at Invitae indicates that this missense variant is not expected to disrupt TPP1 protein function. In summary, the available evidence is currently insufficient to determine the role of this variant in disease. Therefore, it has been classified as a Variant of Uncertain Significance.